The following is an entry in ClinVar:

NM_001372078.1(REV3L):c.9190G>A (p.Val3064Ile)

Gene: REV3L (REV3 like, DNA directed polymerase zeta catalytic subunit; minus strand). Cytogenetic location: 6q21.
Variant type: single nucleotide variant.
Coding change: c.9190G>A on transcript NM_001372078.1 (MANE Select); coding-DNA position 9190, G replaced by A.
Protein change: p.Val3064Ile; replaces valine 3064 with isoleucine.
Molecular consequence: missense variant.
Genome position (GRCh38, 1-based): chr6:111,307,423, C>T on the plus strand (G>A on the coding strand, the complement: REV3L is on the minus strand). VCF-style: chr6-111307423-C-T. GRCh37 (hg19) VCF-style: chr6-111628626-C-T.
Other names: c.8956G>A, p.Val2986Ile (NM_001286431.2, NM_001286432.2); c.9190G>A, p.Val3064Ile (NM_002912.5); short protein forms V2986I, V3064I.
Identifiers: ClinVar variation 1267973 (VCV001267973.4), dbSNP rs3204953, ClinGen allele CA3961085.

ClinVar aggregate classification (germline): Benign. Review status: criteria provided, single submitter (1 of 4 stars). 2 submissions from 2 submitters: Benign (1). 1 of the submissions does not count toward it. Last evaluated 2019-05-17.

Conditions:
REV3L-related disorder. Also called: REV3L-related condition.

Allele frequency attached by ClinVar (database versions not stated): 1000 Genomes Project 0.05751; 1000 Genomes Project 30x 0.05871; TOPMed 0.10014; gnomAD 0.10028 and 0.10137; ExAC 0.10209; gnomAD exomes 0.10378 and 0.13011; ESP Exome Variant Server 0.10841.

Submissions (2):

GeneDx
Classification: Benign. Last evaluated: 2019-05-17. Review status: criteria provided, single submitter. Criteria: GeneDx Variant Classification Process June 2021. Collection method: clinical testing. Allele origin: germline. Affected: yes.

PreventionGenetics, part of Exact Sciences
Classification: Benign for REV3L-related condition. Last evaluated: 2019-06-07. Review status: no assertion criteria provided. Collection method: clinical testing. Allele origin: germline. Not counted in ClinVar's aggregate classification.
Comment: This variant is classified as benign based on ACMG/AMP sequence variant interpretation guidelines (Richards et al. 2015 PMID: 25741868, with internal and published modifications).